The following is an entry in ClinVar:

ClinVar aggregate classification (germline): Benign/Likely benign. Review status: criteria provided, multiple submitters, no conflicts (2 of 4 stars). 7 submissions from 3 submitters: Benign (5); Likely benign (2). Last evaluated 2023-07-07.

Conditions:
Developmental and epileptic encephalopathy 98. Identifiers: MedGen C5562017, MONDO:0030472, OMIM 619605.
Fetal akinesia, respiratory insufficiency, microcephaly, polymicrogyria, and dysmorphic facies. Identifiers: MedGen C5562015, MONDO:0859204, OMIM 619602.
Familial hemiplegic migraine. Identifiers: MedGen C0338484, MONDO:0000700.
Alternating hemiplegia of childhood 1 (AHC1). Identifiers: Orphanet 2131, MedGen C3549447, MONDO:0007087, OMIM 104290.
Migraine, familial hemiplegic, 2. Identifiers: Orphanet 569, MedGen C1865322, MONDO:0011232, OMIM 602481.

Allele frequency attached by ClinVar (database versions not stated): gnomAD 0.00001; TOPMed 0.00001; ExAC 0.00002; gnomAD exomes 0.00002 and 0.00004.
gnomAD v4.1: 23 of 1,614,116 alleles (0.0014%); highest among the groups gnomAD compares: East Asian, 0.051%; no homozygotes.

Submissions (7):

Labcorp Genetics (formerly Invitae), Labcorp
Classification: Likely benign for Familial hemiplegic migraine. Last evaluated: 2023-07-07. Review status: criteria provided, single submitter. Criteria: Invitae Variant Classification Sherloc (09022015). Collection method: clinical testing. Allele origin: germline.

Genome-Nilou Lab
Classification: Benign for Alternating hemiplegia of childhood 1. Last evaluated: 2021-12-05. Review status: criteria provided, single submitter. Criteria: ACMG Guidelines, 2015. Collection method: clinical testing. Allele origin: germline. Affected: no.

Genome-Nilou Lab
Classification: Benign for Developmental and epileptic encephalopathy 98. Last evaluated: 2021-12-05. Review status: criteria provided, single submitter. Criteria: ACMG Guidelines, 2015. Collection method: clinical testing. Allele origin: germline. Affected: no.

Genome-Nilou Lab
Classification: Benign for Fetal akinesia, respiratory insufficiency, microcephaly, polymicrogyria, and dysmorphic facies. Last evaluated: 2021-12-05. Review status: criteria provided, single submitter. Criteria: ACMG Guidelines, 2015. Collection method: clinical testing. Allele origin: germline. Affected: no.

Genome-Nilou Lab
Classification: Benign for Migraine, familial hemiplegic, 2. Last evaluated: 2021-12-05. Review status: criteria provided, single submitter. Criteria: ACMG Guidelines, 2015. Collection method: clinical testing. Allele origin: germline. Affected: no.

Illumina Laboratory Services, Illumina
Classification: Likely benign for Migraine, familial hemiplegic, 2. Last evaluated: 2018-01-12. Review status: criteria provided, single submitter. Criteria: ICSL Variant Classification Criteria 13 December 2019. Collection method: clinical testing. Allele origin: germline.
Comment: This variant was observed in the ICSL laboratory as part of a predisposition screen in an ostensibly healthy population. It had not been previously curated by ICSL or reported in the Human Gene Mutation Database (HGMD: prior to June 1st, 2018), and was therefore a candidate for classification through an automated scoring system. Utilizing variant allele frequency, disease prevalence and penetrance estimates, and inheritance mode, an automated score was calculated to assess if this variant is too frequent to cause the disease. Based on the score and internal cut-off values, a variant classified as likely benign is not then subjected to further curation. The score for this variant resulted in a classification of likely benign for this disease.

Illumina Laboratory Services, Illumina
Classification: Benign for Alternating hemiplegia of childhood 1. Last evaluated: 2018-01-12. Review status: criteria provided, single submitter. Criteria: ICSL Variant Classification Criteria 13 December 2019. Collection method: clinical testing. Allele origin: germline.
Comment: This variant was observed in the ICSL laboratory as part of a predisposition screen in an ostensibly healthy population. It had not been previously curated by ICSL or reported in the Human Gene Mutation Database (HGMD: prior to June 1st, 2018), and was therefore a candidate for classification through an automated scoring system. Utilizing variant allele frequency, disease prevalence and penetrance estimates, and inheritance mode, an automated score was calculated to assess if this variant is too frequent to cause the disease. Based on the score and internal cut-off values, a variant classified as benign is not then subjected to further curation. The score for this variant resulted in a classification of benign for this disease.

NM_000702.4(ATP1A2):c.1572G>A (p.Glu524=)

Gene: ATP1A2 (ATPase Na+/K+ transporting subunit alpha 2; plus strand). Cytogenetic location: 1q23.2.
Variant type: single nucleotide variant.
Coding change: c.1572G>A on transcript NM_000702.4 (MANE Select); coding-DNA position 1572, G replaced by A.
Protein change: p.Glu524=; no amino-acid change (glutamic acid 524 retained).
Molecular consequence: synonymous variant.
Genome position (GRCh38, 1-based): chr1:160,130,212, G>A. VCF-style: chr1-160130212-G-A. GRCh37 (hg19) VCF-style: chr1-160100002-G-A.
Identifiers: ClinVar variation 293132 (VCV000293132.14), dbSNP rs775192056, ClinGen allele CA1194524.